The following is an entry in ClinVar:

NM_000346.4(SOX9):c.610T>C (p.Phe204Leu)

Gene: SOX9 (SRY-box transcription factor 9; plus strand). Cytogenetic location: 17q24.3.
Variant type: single nucleotide variant.
Coding change: c.610T>C on transcript NM_000346.4 (MANE Select); coding-DNA position 610, T replaced by C.
Protein change: p.Phe204Leu; replaces phenylalanine 204 with leucine.
Molecular consequence: missense variant.
Genome position (GRCh38, 1-based): chr17:72,122,897, T>C. VCF-style: chr17-72122897-T-C. GRCh37 (hg19) VCF-style: chr17-70119038-T-C.
Other names: short protein forms F204L.
Identifiers: ClinVar variation 3612318 (VCV003612318.2).

ClinVar aggregate classification (germline): Uncertain significance (1 of 4 stars; one submission).

Conditions:
Camptomelic dysplasia (CMPD). Also called: Campomelic Dysplasia; CMPD1/SRA1. Identifiers: Orphanet 140, MedGen C1861922, MONDO:0007251, OMIM 114290.

gnomAD v4.1: 8 of 1,613,984 alleles (0.0005%); highest among the groups gnomAD compares: Non-Finnish European, 0.00068%; no homozygotes.

Submission:

Labcorp Genetics (formerly Invitae), Labcorp
Classification: Uncertain significance for Camptomelic dysplasia. Last evaluated: 2025-01-06. Review status: criteria provided, single submitter. Criteria: Invitae Variant Classification Sherloc (09022015). Collection method: clinical testing. Allele origin: germline.
Comment: This sequence change replaces phenylalanine, which is neutral and non-polar, with leucine, which is neutral and non-polar, at codon 204 of the SOX9 protein (p.Phe204Leu). This variant is present in population databases (rs754850647, gnomAD 0.004%). This variant has not been reported in the literature in individuals affected with SOX9-related conditions. Invitae Evidence Modeling of protein sequence and biophysical properties (such as structural, functional, and spatial information, amino acid conservation, physicochemical variation, residue mobility, and thermodynamic stability) indicates that this missense variant is not expected to disrupt SOX9 protein function with a negative predictive value of 95%. In summary, the available evidence is currently insufficient to determine the role of this variant in disease. Therefore, it has been classified as a Variant of Uncertain Significance.